The following is an entry in ClinVar:

NM_033118.4(MYLK2):c.353C>T (p.Ser118Leu)

Gene: MYLK2 (myosin light chain kinase 2; plus strand). Cytogenetic location: 20q11.21.
Variant type: single nucleotide variant.
Coding change: c.353C>T on transcript NM_033118.4 (MANE Select); coding-DNA position 353, C replaced by T.
Protein change: p.Ser118Leu; replaces serine 118 with leucine.
Molecular consequence: missense variant.
Genome position (GRCh38, 1-based): chr20:31,820,426, C>T. VCF-style: chr20-31820426-C-T. GRCh37 (hg19) VCF-style: chr20-30408229-C-T.
Other names: short protein forms S118L.
Identifiers: ClinVar variation 164496 (VCV000164496.9), dbSNP rs727503304, ClinGen allele CA177186.
Genomic context (GRCh38, chr20:31,820,426, plus strand): 5'-CCCAGCAGACTGCGACACCTGAGACCAGCGTCAAGAAGCCCAAGGCTGAGCAGGGAGCCT[C>T]AGGCAGCCAGGATCCTGGAAAGCCCAGGGTGGGCAAGAAGGCAGCAGAGGGCCAAGCAGC-3'
Protein context (NP_149109.1, residues 108-128): VKKPKAEQGA[Ser118Leu]GSQDPGKPRV

ClinVar aggregate classification (germline): Conflicting classifications of pathogenicity. Review status: criteria provided, conflicting classifications (1 of 4 stars). 3 submissions from 3 submitters: Uncertain significance (2); Likely benign (1). Last evaluated 2024-03-07.

Conditions:
Hypertrophic cardiomyopathy 1 (CMH1). Also called: Familial hypertrophic cardiomyopathy 1; MYH7-Related Familial Hypertrophic Cardiomyopathy. Identifiers: MedGen C3495498, MONDO:0008647, OMIM 192600.

Allele frequency attached by ClinVar (database versions not stated): gnomAD exomes below 0.00001 and 0.00001; gnomAD 0.00001; TOPMed 0.00002.
gnomAD v4.1: 8 of 1,612,732 alleles (0.0005%); highest among the groups gnomAD compares: East Asian, 0.0089%; no homozygotes.

Submissions (3):

Ambry Genetics
Classification: Uncertain significance. Last evaluated: 2024-03-07. Review status: criteria provided, single submitter. Criteria: Ambry Variant Classification Scheme 2023. Collection method: clinical testing. Allele origin: germline.

Labcorp Genetics (formerly Invitae), Labcorp
Classification: Uncertain significance for Hypertrophic cardiomyopathy 1. Last evaluated: 2023-02-02. Review status: criteria provided, single submitter. Criteria: Invitae Variant Classification Sherloc (09022015). Collection method: clinical testing. Allele origin: germline.
Comment: This variant is present in population databases (rs727503304, gnomAD 0.01%). In summary, the available evidence is currently insufficient to determine the role of this variant in disease. Therefore, it has been classified as a Variant of Uncertain Significance. Advanced modeling of protein sequence and biophysical properties (such as structural, functional, and spatial information, amino acid conservation, physicochemical variation, residue mobility, and thermodynamic stability) performed at Invitae indicates that this missense variant is not expected to disrupt MYLK2 protein function. ClinVar contains an entry for this variant (Variation ID: 164496). This variant has not been reported in the literature in individuals affected with MYLK2-related conditions. This sequence change replaces serine, which is neutral and polar, with leucine, which is neutral and non-polar, at codon 118 of the MYLK2 protein (p.Ser118Leu).

Laboratory for Molecular Medicine, Mass General Brigham Personalized Medicine
Classification: Likely benign. Last evaluated: 2014-12-17. Review status: criteria provided, single submitter. Criteria: LMM Criteria. Collection method: clinical testing. Allele origin: germline. Observed: 1 variant allele.
Comment: p.Ser118Leu in exon 3 of MYLK2: This variant is not expected to have clinical si gnificance due to a lack of conservation across species, including mammals. Of n ote, chimp, chinchilla, brush-tailed rat, and mole have a leucine (Leu) at this position despite high nearby amino acid conservation. In addition, computational prediction tools do not suggest a high likelihood of impact to the protein.